The following is an entry in ClinVar:

NM_006565.4(CTCF):c.1590G>A (p.Lys530=)

Gene: CTCF (CCCTC-binding factor; plus strand). Cytogenetic location: 16q22.1.
Variant type: single nucleotide variant.
Coding change: c.1590G>A on transcript NM_006565.4 (MANE Select); coding-DNA position 1590, G replaced by A.
Protein change: p.Lys530=; no amino-acid change (lysine 530 retained).
Molecular consequence: synonymous variant.
Genome position (GRCh38, 1-based): chr16:67,628,441, G>A. VCF-style: chr16-67628441-G-A. GRCh37 (hg19) VCF-style: chr16-67662344-G-A.
Other names: c.606G>A, p.Lys202= (NM_001191022.2); c.1590G>A, p.Lys530= (NM_001363916.2).
Identifiers: ClinVar variation 3239088 (VCV003239088.19), dbSNP rs553963598.
Genomic context (GRCh38, chr16:67,628,441, plus strand): 5'-GATCATGCACAAGCGCACCCACACCGGGGAGAAGCCTTACGCCTGCAGCCACTGCGATAA[G>A]ACCTTCCGCCAGAAGCAGCTTCTCGACATGCACTTCAAGCGCTATCACGACCCCAACTTC-3'
Protein context (NP_006556.1, residues 520-540): EKPYACSHCD[Lys530=]TFRQKQLLDM

ClinVar aggregate classification (germline): Likely benign (1 of 4 stars; one submission).

Allele frequency attached by ClinVar (database versions not stated): gnomAD 0.00003; TOPMed 0.00003; gnomAD exomes 0.00004; ExAC 0.00007.
gnomAD v4.1: 70 of 1,614,190 alleles (0.0043%); highest among the groups gnomAD compares: South Asian, 0.031%; no homozygotes.

Submission:

CeGaT Center for Human Genetics Tuebingen
Classification: Likely benign. Last evaluated: 2026-01-01. Review status: criteria provided, single submitter. Criteria: CeGaT Center For Human Genetics Tuebingen Variant Classification Criteria Version 2. Collection method: clinical testing. Allele origin: germline. Affected: yes. Observed: 3 variant alleles.
Comment: CTCF: BP4, BP7